The following is an entry in ClinVar:

NM_002055.5(GFAP):c.13C>T (p.Arg5Cys)

Gene: GFAP (glial fibrillary acidic protein; minus strand). Cytogenetic location: 17q21.31.
Variant type: single nucleotide variant.
Coding change: c.13C>T on transcript NM_002055.5 (MANE Select); coding-DNA position 13, C replaced by T.
Protein change: p.Arg5Cys; replaces arginine 5 with cysteine.
Molecular consequence: missense variant.
Genome position (GRCh38, 1-based): chr17:44,915,474, G>A on the plus strand (C>T on the coding strand, the complement: GFAP is on the minus strand). VCF-style: chr17-44915474-G-A. GRCh37 (hg19) VCF-style: chr17-42992842-G-A.
Other names: NM_002055.5(GFAP):c.13C>T; p.Arg5Cys; c.13C>T, p.Arg5Cys (NM_001131019.3, NM_001242376.3, NM_001363846.2); short protein forms R5C.
Identifiers: ClinVar variation 2402507 (VCV002402507.6), dbSNP rs142049068, ClinGen allele CA8609136.
Genomic context (GRCh38, chr17:44,915,474, plus strand): 5'-GGCCCCCCACCATCATCTCCCCTGAGGAGACGTAGGAGCGGCGAGCAGCGGAGGTGATGC[G>A]TCTCCTCTCCATCCTGCTCTGGCTCTGCTCGCTCCTGGGATGCGAGGGCTTTATGAAGGA-3'
Protein context (NP_002046.1, residues 1-15): MERR[Arg5Cys]ITSAARRSYV

ClinVar aggregate classification (germline): Likely benign. Review status: reviewed by expert panel (3 of 4 stars). 3 submissions from 3 submitters: Likely benign (1). 2 of the submissions do not count toward it. Last evaluated 2026-10-23.

Conditions:
Alexander disease (ALXDRD). Also called: Alexander's disease. Identifiers: Orphanet 58, MedGen C0270726, MONDO:0008752, OMIM 203450.
Inborn genetic diseases. Identifiers: MedGen C0950123, MeSH D030342.

Allele frequency attached by ClinVar (database versions not stated): TOPMed 0.00003; ExAC 0.00005; gnomAD 0.00005; 1000 Genomes Project 0.00060; 1000 Genomes Project 30x 0.00062.

Submissions (3):

ClinGen Leukodystrophy and Leukoencephalopathy Variant Curation Expert Panel, ClinGen
Classification: Likely benign for Alexander disease. Last evaluated: 2026-10-23. Review status: reviewed by expert panel. Criteria: ClinGen Leuko ACMG Specifications GFAP V1.0. Collection method: curation. Allele origin: germline. Inheritance: Autosomal dominant inheritance.
Comment: The c.13C>T variant in GFAP is a missense variant predicted to cause substitution of arginine by cysteine at amino acid 5 (p.Arg5Cys). The Total GrpMax filtering allele frequency in gnomAD v4.1.1 is 0.00004474 from the East Asian genetic ancestry group (the lower threshold of the 95% CI of 23/1583514 alleles), which is higher than the ClinGen Leukodystrophy and Leukoencephalopathy VCEP threshold (>0.00001) for BS1, and therefore meets this criterion (BS1). In summary, this variant meets the criteria to be classified as a likely benign variant for Alexander disease based on the ACMG/AMP criteria applied, as specified by the ClinGen Leukodystrophy and Leukoencephalopathy Expert Panel Specifications to the ACMG/AMP Variant Interpretation Guidelines for GFAP Version 1.0.0): (BS1).

Labcorp Genetics (formerly Invitae), Labcorp
Classification: Uncertain significance. Last evaluated: 2024-04-16. Review status: criteria provided, single submitter. Criteria: Invitae Variant Classification Sherloc (09022015). Collection method: clinical testing. Allele origin: germline. Not counted in ClinVar's aggregate classification.
Comment: This sequence change replaces arginine, which is basic and polar, with cysteine, which is neutral and slightly polar, at codon 5 of the GFAP protein (p.Arg5Cys). The frequency data for this variant in the population databases is considered unreliable, as metrics indicate poor data quality at this position in the gnomAD database. This variant has not been reported in the literature in individuals affected with GFAP-related conditions. ClinVar contains an entry for this variant (Variation ID: 2402507). Advanced modeling of protein sequence and biophysical properties (such as structural, functional, and spatial information, amino acid conservation, physicochemical variation, residue mobility, and thermodynamic stability) has been performed at Invitae for this missense variant, however the output from this modeling did not meet the statistical confidence thresholds required to predict the impact of this variant on GFAP protein function. In summary, the available evidence is currently insufficient to determine the role of this variant in disease. Therefore, it has been classified as a Variant of Uncertain Significance.

Ambry Genetics
Classification: Uncertain significance for Inborn genetic diseases. Last evaluated: 2021-07-14. Review status: criteria provided, single submitter. Criteria: Ambry Variant Classification Scheme 2023. Collection method: clinical testing. Allele origin: germline. Not counted in ClinVar's aggregate classification.